The following is an entry in ClinVar:

NM_001365276.2(TNXB):c.7660G>A (p.Val2554Met)

Gene: TNXB (tenascin XB; minus strand). Cytogenetic location: 6p21.33.
Variant type: single nucleotide variant.
Coding change: c.7660G>A on transcript NM_001365276.2 (MANE Select); coding-DNA position 7660, G replaced by A.
Protein change: p.Val2554Met; replaces valine 2554 with methionine.
Molecular consequence: missense variant.
Genome position (GRCh38, 1-based): chr6:32,058,223, C>T on the plus strand (G>A on the coding strand, the complement: TNXB is on the minus strand). VCF-style: chr6-32058223-C-T. GRCh37 (hg19) VCF-style: chr6-32026000-C-T.
Other names: c.7660G>A, p.Val2554Met (NM_019105.8); short protein forms V2554M.
Identifiers: ClinVar variation 1760035 (VCV001760035.2), dbSNP rs777317530, ClinGen allele CA3734089.

ClinVar aggregate classification (germline): Uncertain significance (1 of 4 stars; one submission).

Conditions:
Cardiovascular phenotype. Identifiers: MedGen CN230736.

Allele frequency attached by ClinVar (database versions not stated): ExAC 0.00002; gnomAD 0.00007; TOPMed 0.00007.
gnomAD v4.1: 26 of 1,612,282 alleles (0.0016%); highest among the groups gnomAD compares: African/African-American, 0.021%; no homozygotes.

Submission:

Ambry Genetics
Classification: Uncertain significance for Cardiovascular phenotype. Last evaluated: 2022-10-09. Review status: criteria provided, single submitter. Criteria: Ambry Variant Classification Scheme 2023. Collection method: clinical testing. Allele origin: germline.
Comment: The p.V2554M variant (also known as c.7660G>A), located in coding exon 21 of the TNXB gene, results from a G to A substitution at nucleotide position 7660. The valine at codon 2554 is replaced by methionine, an amino acid with highly similar properties. This amino acid position is conserved. In addition, this alteration is predicted to be tolerated by in silico analysis. Since supporting evidence is limited at this time, the clinical significance of this alteration remains unclear.